The following is an entry in ClinVar:

ClinVar aggregate classification (germline): Pathogenic (1 of 4 stars; one submission).

Submission:

Labcorp Genetics (formerly Invitae), Labcorp
Classification: Pathogenic. Last evaluated: 2022-08-24. Review status: criteria provided, single submitter. Criteria: Invitae Variant Classification Sherloc (09022015). Collection method: clinical testing. Allele origin: germline.
Comment: For these reasons, this variant has been classified as Pathogenic. This variant has not been reported in the literature in individuals affected with FAT4-related conditions. This variant is not present in population databases (gnomAD no frequency). This sequence change creates a premature translational stop signal (p.Thr534Leufs*17) in the FAT4 gene. It is expected to result in an absent or disrupted protein product. Loss-of-function variants in FAT4 are known to be pathogenic (PMID: 24056717, 24913602).

Literature cited by the submitters: PubMed 24056717; PubMed 24913602.

NM_001291303.3(FAT4):c.1599del (p.Thr534fs)

Gene: FAT4 (FAT atypical cadherin 4; plus strand). Cytogenetic location: 4q28.1.
Variant type: Deletion.
Coding change: c.1599del on transcript NM_001291303.3 (MANE Select); coding-DNA position 1599, one base deleted (C; older notation c.1599delC).
Protein change: p.Thr534fs; shifts the reading frame from threonine 534.
Molecular consequence: frameshift variant.
Genome position (GRCh38, 1-based): chr4:125,318,010, C deleted; the last of 2 consecutive C bases (chr4:125,318,009-125,318,010); deleting either gives the same sequence. VCF-style (leftmost placement, unchanged base first): chr4-125318008-AC-A. GRCh37 (hg19) VCF-style: chr4-126239163-AC-A.
Other names: c.1599del, p.Thr534fs (NM_001291285.3, NM_024582.6); short protein forms T534fs.
Identifiers: ClinVar variation 2026850 (VCV002026850.4), dbSNP rs2530429152, ClinGen allele CA2580071537.